The following is an entry in ClinVar:

ClinVar aggregate classification (germline): Pathogenic (1 of 4 stars; one submission).

Conditions:
Atypical hemolytic-uremic syndrome. Identifiers: Orphanet 2134, MedGen C2931788, MONDO:0016244.

Submission:

Genomenon, Inc
Classification: Pathogenic for Atypical hemolytic-uremic syndrome. Last evaluated: 2026-09-17. Review status: criteria provided, single submitter. Criteria: Genomenon Sequence Variant Interpretation Standards - Updated. Collection method: curation. Allele origin: germline. Affected: yes.
Comment: DGKE p.Cys167Trp (c.501C>G) is a missense variant that changes the amino acid at codon 167 from Cysteine to Tryptophan. This variant has been observed in at least one proband affected with atypical hemolytic-uremic syndrome (PMID:25443527). At least one functional study has demonstrated a substantial alteration in protein function relative to the wild-type (PMID:36113832). This variant is located in a mutational hotspot and/or important functional domain. It is absent or not present at a significant frequency in gnomAD. In silico models predict that this variant is possibly or probably damaging. In conclusion, we classify DGKE p.Cys167Trp (c.501C>G) as a pathogenic variant.

Literature cited by the submitters: PubMed 25443527; PubMed 36113832.

NM_003647.3(DGKE):c.501C>G (p.Cys167Trp)

Gene: DGKE (diacylglycerol kinase epsilon; plus strand). Cytogenetic location: 17q22.
Variant type: single nucleotide variant.
Coding change: c.501C>G on transcript NM_003647.3 (MANE Select); coding-DNA position 501, C replaced by G.
Protein change: p.Cys167Trp; replaces cysteine 167 with tryptophan.
Molecular consequence: missense variant.
Genome position (GRCh38, 1-based): chr17:56,844,055, C>G. VCF-style: chr17-56844055-C-G. GRCh37 (hg19) VCF-style: chr17-54921416-C-G.
Other names: short protein forms C167W.
Identifiers: ClinVar variation 4280360 (VCV004280360.2).